The following is an entry in ClinVar:

ClinVar aggregate classification (germline): Uncertain significance (1 of 4 stars; one submission).

Conditions:
Spastic paraplegia. Identifiers: MedGen C0037772, HP:0001258.

Submission:

Labcorp Genetics (formerly Invitae), Labcorp
Classification: Uncertain significance for Spastic paraplegia. Last evaluated: 2022-02-09. Review status: criteria provided, single submitter. Criteria: Invitae Variant Classification Sherloc (09022015). Collection method: clinical testing. Allele origin: germline.
Comment: This sequence change replaces valine, which is neutral and non-polar, with isoleucine, which is neutral and non-polar, at codon 1892 of the SACS protein (p.Val1892Ile). This variant is not present in population databases (gnomAD no frequency). This variant has not been reported in the literature in individuals affected with SACS-related conditions. Advanced modeling of protein sequence and biophysical properties (such as structural, functional, and spatial information, amino acid conservation, physicochemical variation, residue mobility, and thermodynamic stability) performed at Invitae indicates that this missense variant is not expected to disrupt SACS protein function. In summary, the available evidence is currently insufficient to determine the role of this variant in disease. Therefore, it has been classified as a Variant of Uncertain Significance.

NM_014363.6(SACS):c.5674G>A (p.Val1892Ile)

Gene: SACS (sacsin molecular chaperone; minus strand). Cytogenetic location: 13q12.12.
Variant type: single nucleotide variant.
Coding change: c.5674G>A on transcript NM_014363.6 (MANE Select); coding-DNA position 5674, G replaced by A.
Protein change: p.Val1892Ile; replaces valine 1892 with isoleucine.
Molecular consequence: missense variant.
Genome position (GRCh38, 1-based): chr13:23,338,202, C>T on the plus strand (G>A on the coding strand, the complement: SACS is on the minus strand). VCF-style: chr13-23338202-C-T. GRCh37 (hg19) VCF-style: chr13-23912341-C-T.
Other names: c.5233G>A, p.Val1745Ile (NM_001278055.2); short protein forms V1745I, V1892I.
Identifiers: ClinVar variation 1432821 (VCV001432821.5), dbSNP rs2137616839, ClinGen allele CA387525075.